The following is an entry in ClinVar:

NC_000014.8:g.(?_23882053)_(23882090_?)del

Gene: MYH7 (myosin heavy chain 7; minus strand). Cytogenetic location: 14q11.2.
Variant type: Deletion.
Identifiers: ClinVar variation 1002965 (VCV001002965.1).

ClinVar aggregate classification (germline): Uncertain significance (1 of 4 stars; one submission).

Conditions:
Hypertrophic cardiomyopathy. Also called: HYPERTROPHIC MYOCARDIOPATHY. Identifiers: Orphanet 217569, MedGen C0007194, MeSH D002312, MONDO:0005045, HP:0001639.

Submission:

Labcorp Genetics (formerly Invitae), Labcorp
Classification: Uncertain significance for Hypertrophic cardiomyopathy. Last evaluated: 2020-07-13. Review status: criteria provided, single submitter. Criteria: Invitae Variant Classification Sherloc (09022015). Collection method: clinical testing. Allele origin: germline.
Comment: This variant is a gross deletion of the genomic region encompassing exon 40 of the MYH7 gene. The 5' boundary is likely confined to intron 39. The 3' end of this event is unknown as it extends through the termination codon beyond the assayed region for this gene and may encompass additional genes. While this deletion is not anticipated to result in nonsense mediated decay, it is expected to create a truncated protein product or disrupt mRNA translation. A deletion of exon 40 that extends in to the 3' untranslated region of MYH7 has been reported in an individual affected with hypertrophic cardiomyopathy (PMID: 1361491). ClinVar contains an entry for this variant (Variation ID: 14096). The current clinical and genetic evidence is not sufficient to establish whether loss-of-function variants in MYH7 cause disease. In summary, the available evidence is currently insufficient to determine the role of this variant in disease. Therefore, it has been classified as a Variant of Uncertain Significance.

Literature cited by the submitters: PubMed 1361491.